The following is an entry in ClinVar:

Conditions:
Arteriohepatic dysplasia. Also called: Alagille Syndrome. Identifiers: Orphanet 52, MedGen C0085280, MeSH D016738, MONDO:0007318.

Submission:

Gilbert/Spinner Lab, Children's Hospital of Philadelphia
No classification provided (evidence only). Condition: Alagille syndrome. Review status: no classification provided. Collection method: research. Allele origin: not applicable. Functional consequence: functionally_abnormal.
ClinVar note: "not provided" was previously submitted as the classification for the variant. However, the classification appeared to be based only on an observation of functional data so it was converted to no classification on 2025-07-30.

NM_000214.3(JAG1):c.284G>T (p.Gly95Val)

Gene: JAG1 (jagged canonical Notch ligand 1; minus strand). Cytogenetic location: 20p12.2.
Variant type: single nucleotide variant.
Coding change: c.284G>T on transcript NM_000214.3 (MANE Select); coding-DNA position 284, G replaced by T.
Protein change: p.Gly95Val; replaces glycine 95 with valine.
Molecular consequence: missense variant.
Genome position (GRCh38, 1-based): chr20:10,672,804, C>A on the plus strand (G>T on the coding strand, the complement: JAG1 is on the minus strand). VCF-style: chr20-10672804-C-A. GRCh37 (hg19) VCF-style: chr20-10653452-C-A.
Other names: short protein forms G95V.
Identifiers: ClinVar variation 3573437 (VCV003573437.2).